The following is an entry in ClinVar:

ClinVar aggregate classification (germline): Benign/Likely benign. Review status: criteria provided, multiple submitters, no conflicts (2 of 4 stars). 29 submissions from 22 submitters: Benign (19); Likely benign (5). 5 of the submissions do not count toward it. Last evaluated 2026-02-04.

Conditions:
Dilated cardiomyopathy 1G (CMD1G). Identifiers: Orphanet 154, MedGen C1858763, MONDO:0011400, OMIM 604145.
Autosomal recessive limb-girdle muscular dystrophy type 2J (LGMDR10). Also called: MUSCULAR DYSTROPHY, LIMB-GIRDLE, AUTOSOMAL RECESSIVE 10; Limb-girdle muscular dystrophy, type 2J. Identifiers: Orphanet 140922, MedGen C1837342, MONDO:0012127, OMIM 608807.
Cardiovascular phenotype. Identifiers: MedGen CN230736.
Cardiomyopathy (CMYO). Also called: Cardiomyopathies. Identifiers: Orphanet 167848, MedGen C0878544, MONDO:0004994, HP:0001638. Inheritance: Various modes of inheritance.
Early-onset myopathy with fatal cardiomyopathy (CMYO5). Also called: CONGENITAL MYOPATHY 5 WITH CARDIOMYOPATHY; Salih Myopathy. Identifiers: Orphanet 289377, MedGen C2673677, MONDO:0012714, OMIM 611705. Disease mechanism: loss of function.
Myopathy, myofibrillar, 9, with early respiratory failure (MFM9). Also called: Myopathy, distal, with early respiratory failure, autosomal dominant; Hereditary myopathy with early respiratory failure; MYOPATHY, PROXIMAL, WITH EARLY RESPIRATORY MUSCLE INVOLVEMENT; EDSTROM MYOPATHY. Identifiers: Orphanet 178464, Orphanet 34521, MedGen C1863599, MONDO:0011362, OMIM 603689.
Tibial muscular dystrophy (TMD). Also called: Udd Distal Myopathy – Tibial Muscular Dystrophy; Tibial muscular dystrophy, tardive; UDD MYOPATHY. Identifiers: Orphanet 609, MedGen C1838244, MONDO:0010870, OMIM 600334.

Allele frequency attached by ClinVar (database versions not stated): TOPMed 0.00418; gnomAD 0.00611 and 0.00559; gnomAD exomes 0.00733 and 0.00812; ESP Exome Variant Server 0.00548; 1000 Genomes Project 30x 0.00765; 1000 Genomes Project 0.00779; ExAC 0.00877.
gnomAD v4.1: 11,590 of 1,613,440 alleles (0.72%); highest among the groups gnomAD compares: South Asian, 2.1%; 97 homozygotes.

Submissions (29):

Labcorp Genetics (formerly Invitae), Labcorp
Classification: Benign for Dilated cardiomyopathy 1G; Autosomal recessive limb-girdle muscular dystrophy type 2J. Last evaluated: 2026-02-04. Review status: criteria provided, single submitter. Criteria: Invitae Variant Classification Sherloc (09022015). Collection method: clinical testing. Allele origin: germline.

Molecular Diagnostic Laboratory for Inherited Cardiovascular Disease, Montreal Heart Institute
Classification: Benign. Last evaluated: 2025-04-09. Review status: criteria provided, single submitter. Criteria: ACMG Guidelines, 2015. Collection method: clinical testing. Allele origin: germline. Affected: no.

Blueprint Genetics
Classification: Benign. Last evaluated: 2024-11-26. Review status: criteria provided, single submitter. Criteria: ACMG Guidelines, 2015. Collection method: clinical testing. Allele origin: germline.

ARUP Laboratories, Molecular Genetics and Genomics, ARUP Laboratories
Classification: Benign. Last evaluated: 2024-11-14. Review status: criteria provided, single submitter. Criteria: ARUP Molecular Germline Variant Investigation Process 2024. Collection method: clinical testing. Allele origin: germline.

Athena Diagnostics
Classification: Benign. Last evaluated: 2023-12-19. Review status: criteria provided, single submitter. Criteria: Athena Diagnostics Criteria. Collection method: clinical testing. Allele origin: unknown.

Mayo Clinic Laboratories, Mayo Clinic
Classification: Benign. Last evaluated: 2023-07-05. Review status: criteria provided, single submitter. Criteria: ACMG Guidelines, 2015. Collection method: clinical testing. Allele origin: germline. Observed: 23 variant alleles.

Genome-Nilou Lab
Classification: Benign for Autosomal recessive limb-girdle muscular dystrophy type 2J. Last evaluated: 2021-09-10. Review status: criteria provided, single submitter. Criteria: ACMG Guidelines, 2015. Collection method: clinical testing. Allele origin: germline. Affected: no.

Genome-Nilou Lab
Classification: Benign for Myopathy, myofibrillar, 9, with early respiratory failure. Last evaluated: 2021-09-10. Review status: criteria provided, single submitter. Criteria: ACMG Guidelines, 2015. Collection method: clinical testing. Allele origin: germline. Affected: no.

Genome-Nilou Lab
Classification: Benign for Early-onset myopathy with fatal cardiomyopathy. Last evaluated: 2021-09-10. Review status: criteria provided, single submitter. Criteria: ACMG Guidelines, 2015. Collection method: clinical testing. Allele origin: germline. Affected: no.

Genome-Nilou Lab
Classification: Benign for Tibial muscular dystrophy. Last evaluated: 2021-09-10. Review status: criteria provided, single submitter. Criteria: ACMG Guidelines, 2015. Collection method: clinical testing. Allele origin: germline. Affected: no.

Women's Health and Genetics/Laboratory Corporation of America, LabCorp
Classification: Benign. Last evaluated: 2020-01-06. Review status: criteria provided, single submitter. Criteria: LabCorp Variant Classification Summary - May 2015. Collection method: clinical testing. Allele origin: germline.

Illumina Laboratory Services, Illumina
Classification: Likely benign for Autosomal recessive limb-girdle muscular dystrophy type 2J. Last evaluated: 2018-01-12. Review status: criteria provided, single submitter. Criteria: ICSL Variant Classification Criteria 13 December 2019. Collection method: clinical testing. Allele origin: germline.
Comment: This variant was observed in the ICSL laboratory as part of a predisposition screen in an ostensibly healthy population. It had not been previously curated by ICSL or reported in the Human Gene Mutation Database (HGMD: prior to June 1st, 2018), and was therefore a candidate for classification through an automated scoring system. Utilizing variant allele frequency, disease prevalence and penetrance estimates, and inheritance mode, an automated score was calculated to assess if this variant is too frequent to cause the disease. Based on the score and internal cut-off values, a variant classified as likely benign is not then subjected to further curation. The score for this variant resulted in a classification of likely benign for this disease.

Illumina Laboratory Services, Illumina
Classification: Likely benign for Early-onset myopathy with fatal cardiomyopathy. Last evaluated: 2018-01-12. Review status: criteria provided, single submitter. Criteria: ICSL Variant Classification Criteria 13 December 2019. Collection method: clinical testing. Allele origin: germline.
Comment: the same text as in the submission from Illumina Laboratory Services, Illumina above.

Illumina Laboratory Services, Illumina
Classification: Benign for Myopathy, myofibrillar, 9, with early respiratory failure. Last evaluated: 2018-01-12. Review status: criteria provided, single submitter. Criteria: ICSL Variant Classification Criteria 13 December 2019. Collection method: clinical testing. Allele origin: germline.
Comment: This variant was observed in the ICSL laboratory as part of a predisposition screen in an ostensibly healthy population. It had not been previously curated by ICSL or reported in the Human Gene Mutation Database (HGMD: prior to June 1st, 2018), and was therefore a candidate for classification through an automated scoring system. Utilizing variant allele frequency, disease prevalence and penetrance estimates, and inheritance mode, an automated score was calculated to assess if this variant is too frequent to cause the disease. Based on the score and internal cut-off values, a variant classified as benign is not then subjected to further curation. The score for this variant resulted in a classification of benign for this disease.

Illumina Laboratory Services, Illumina
Classification: Benign for Tibial muscular dystrophy. Last evaluated: 2018-01-12. Review status: criteria provided, single submitter. Criteria: ICSL Variant Classification Criteria 13 December 2019. Collection method: clinical testing. Allele origin: germline.
Comment: the same text as in the submission from Illumina Laboratory Services, Illumina above.

Illumina Laboratory Services, Illumina
Classification: Likely benign for Dilated cardiomyopathy 1G. Last evaluated: 2018-01-12. Review status: criteria provided, single submitter. Criteria: ICSL Variant Classification Criteria 13 December 2019. Collection method: clinical testing. Allele origin: germline.
Comment: the same text as in the submission from Illumina Laboratory Services, Illumina above.

CHEO Genetics Diagnostic Laboratory, Children's Hospital of Eastern Ontario
Classification: Benign for Cardiomyopathy. Last evaluated: 2016-01-11. Review status: criteria provided, single submitter. Criteria: ACMG Guidelines, 2015. Collection method: clinical testing. Allele origin: germline. Study: Canadian Open Genetics Repository.

GeneDx
Classification: Benign. Last evaluated: 2014-03-27. Review status: criteria provided, single submitter. Criteria: GeneDx Variant Classification (06012015). Collection method: clinical testing. Allele origin: germline. Affected: yes.
Comment: This variant is considered likely benign or benign based on one or more of the following criteria: it is a conservative change, it occurs at a poorly conserved position in the protein, it is predicted to be benign by multiple in silico algorithms, and/or has population frequency not consistent with disease.

Eurofins Ntd Llc (ga)
Classification: Benign. Last evaluated: 2013-10-21. Review status: criteria provided, single submitter. Criteria: EGL Classification Definitions 2015. Collection method: clinical testing. Allele origin: germline. Observed: 1 variant allele, 1 heterozygote.

Genetic Services Laboratory, University of Chicago
Classification: Benign for AllHighlyPenetrant. Last evaluated: 2013-08-23. Review status: criteria provided, single submitter. Criteria: ACMG Guidelines, 2007. Collection method: clinical testing. Allele origin: germline.

Ambry Genetics
Classification: Likely benign for Cardiovascular phenotype. Last evaluated: 2013-03-27. Review status: criteria provided, single submitter. Criteria: Ambry Autosomal Dominant and X-Linked criteria (10/2015). Collection method: clinical testing. Allele origin: germline. Observed: 1 variant allele.

Laboratory for Molecular Medicine, Mass General Brigham Personalized Medicine
Classification: Benign. Last evaluated: 2012-03-01. Review status: criteria provided, single submitter. Criteria: LMM Criteria. Collection method: clinical testing. Allele origin: germline. Observed: 18 variant alleles.
Comment: Thr25012Thr in exon 275 of TTN: This variant is not expected to have clinical si gnificance because it does not alter an amino acid residue and has been identifi ed in 0.8% (53/6798) of European American chromosomes from a broad population by the NHLBI Exome Sequencing Project (dbSNP rs5 6345408).

Breakthrough Genomics
Classification: Likely benign. Review status: criteria provided, single submitter. Criteria: ACMG Guidelines, 2015. Collection method: not provided. Allele origin: germline. Inheritance: Autosomal recessive inheritance. Affected: yes.

PreventionGenetics, part of Exact Sciences
Classification: Benign. Review status: criteria provided, single submitter. Criteria: ACMG Guidelines, 2015. Collection method: clinical testing. Allele origin: germline.

Clinical Genetics DNA and cytogenetics Diagnostics Lab, Erasmus MC, Erasmus Medical Center
Classification: Benign. Review status: no assertion criteria provided. Collection method: clinical testing. Allele origin: germline. Affected: yes. Study: VKGL Data-share Consensus. Not counted in ClinVar's aggregate classification.

Clinical Genetics, Academic Medical Center
Classification: Benign. Review status: no assertion criteria provided. Collection method: clinical testing. Allele origin: germline. Affected: yes. Study: VKGL Data-share Consensus. Not counted in ClinVar's aggregate classification.

Diagnostic Laboratory, Department of Genetics, University Medical Center Groningen
Classification: Likely benign. Review status: no assertion criteria provided. Collection method: clinical testing. Allele origin: germline. Affected: yes. Study: VKGL Data-share Consensus. Not counted in ClinVar's aggregate classification.

Joint Genome Diagnostic Labs from Nijmegen and Maastricht, Radboudumc and MUMC+
Classification: Benign. Review status: no assertion criteria provided. Collection method: clinical testing. Allele origin: germline. Affected: yes. Study: VKGL Data-share Consensus. Not counted in ClinVar's aggregate classification.

Laboratory of Diagnostic Genome Analysis, Leiden University Medical Center (LUMC)
Classification: Likely benign. Review status: no assertion criteria provided. Collection method: clinical testing. Allele origin: germline. Affected: yes. Study: VKGL Data-share Consensus. Not counted in ClinVar's aggregate classification.

NM_001267550.2(TTN):c.82740G>A (p.Thr27580=)

Genes: TTN (titin; minus strand), TTN-AS1 (TTN antisense RNA 1; plus strand). Cytogenetic location: 2q31.2.
Variant type: single nucleotide variant.
Coding change: c.82740G>A on transcript NM_001267550.2 (MANE Select); coding-DNA position 82740, G replaced by A.
Protein change: p.Thr27580=; no amino-acid change (threonine 27580 retained).
Molecular consequence: synonymous variant.
Genome position (GRCh38, 1-based): chr2:178,563,392, C>T on the plus strand (G>A on the coding strand, the complement: TTN is on the minus strand). VCF-style: chr2-178563392-C-T. GRCh37 (hg19) VCF-style: chr2-179428119-C-T.
Other names: p.T25939T:ACG>ACA; p.Thr25012=; c.77817G>A, p.Thr25939= (NM_001256850.1); c.55545G>A, p.Thr18515= (NM_003319.4); c.75036G>A, p.Thr25012= (NM_133378.4); c.55920G>A, p.Thr18640= (NM_133432.3); c.56121G>A, p.Thr18707= (NM_133437.4).
Identifiers: ClinVar variation 47417 (VCV000047417.54), dbSNP rs56345408, ClinGen allele CA283909.